The following is an entry in ClinVar:

ClinVar aggregate classification (germline): Uncertain significance. Review status: criteria provided, multiple submitters, no conflicts (2 of 4 stars). 3 submissions from 3 submitters: Uncertain significance (3). Last evaluated 2022-06-02.

Conditions:
Muscular dystrophy-dystroglycanopathy (congenital with brain and eye anomalies), type A9. Also called: WALKER-WARBURG SYNDROME OR MUSCLE-EYE BRAIN DISEASE, DAG1-RELATED; Muscular dystrophy-dystroglycanopathy (congenital with brain and eye anomalies), type a, 9. Identifiers: Orphanet 370997, Orphanet 899, MedGen C4225291, MONDO:0014683, OMIM 616538.
Autosomal recessive limb-girdle muscular dystrophy type 2P. Also called: MUSCULAR DYSTROPHY, LIMB-GIRDLE, TYPE 2P; Limb-Girdle Muscular Dystrophy Type 9C; MUSCULAR DYSTROPHY-DYSTROGLYCANOPATHY, LIMB-GIRDLE, DAG1-RELATED. Identifiers: Orphanet 280333, MedGen C4511963, MONDO:0013440, OMIM 613818.

Allele frequency attached by ClinVar (database versions not stated): gnomAD 0.00001.
gnomAD v4.1: 11 of 1,613,960 alleles (0.00068%); highest among the groups gnomAD compares: Non-Finnish European, 0.00093%; no homozygotes.

Submissions (3):

Labcorp Genetics (formerly Invitae), Labcorp
Classification: Uncertain significance for Autosomal recessive limb-girdle muscular dystrophy type 2P; Muscular dystrophy-dystroglycanopathy (congenital with brain and eye anomalies), type A9. Last evaluated: 2022-06-02. Review status: criteria provided, single submitter. Criteria: Invitae Variant Classification Sherloc (09022015). Collection method: clinical testing. Allele origin: germline.
Comment: This variant has not been reported in the literature in individuals affected with DAG1-related conditions. This sequence change replaces alanine, which is neutral and non-polar, with serine, which is neutral and polar, at codon 135 of the DAG1 protein (p.Ala135Ser). This variant is not present in population databases (gnomAD no frequency). ClinVar contains an entry for this variant (Variation ID: 285446). Algorithms developed to predict the effect of missense changes on protein structure and function (SIFT, PolyPhen-2, Align-GVGD) all suggest that this variant is likely to be tolerated. In summary, the available evidence is currently insufficient to determine the role of this variant in disease. Therefore, it has been classified as a Variant of Uncertain Significance.

Revvity Omics, Revvity
Classification: Uncertain significance. Last evaluated: 2021-04-21. Review status: criteria provided, single submitter. Criteria: ACMG Guidelines, 2015. Collection method: clinical testing. Allele origin: germline.

Eurofins Ntd Llc (ga)
Classification: Uncertain significance. Last evaluated: 2016-01-08. Review status: criteria provided, single submitter. Criteria: EGL Classification Definitions 2015. Collection method: clinical testing. Allele origin: germline. Observed: 1 variant allele, 1 heterozygote.

NM_004393.6(DAG1):c.403G>T (p.Ala135Ser)

Gene: DAG1 (dystroglycan 1; plus strand). Cytogenetic location: 3p21.31.
Variant type: single nucleotide variant.
Coding change: c.403G>T on transcript NM_004393.6 (MANE Select); coding-DNA position 403, G replaced by T.
Protein change: p.Ala135Ser; replaces alanine 135 with serine.
Molecular consequence: missense variant.
Genome position (GRCh38, 1-based): chr3:49,530,914, G>T. VCF-style: chr3-49530914-G-T. GRCh37 (hg19) VCF-style: chr3-49568347-G-T.
Other names: c.403G>T, p.Ala135Ser (NM_001165928.4, NM_001177634.3, NM_001177635.3 and 9 more transcripts); short protein forms A135S.
Identifiers: ClinVar variation 285446 (VCV000285446.15), dbSNP rs774419205, ClinGen allele CA10605115.